The following is an entry in ClinVar:

ClinVar aggregate classification (germline): Uncertain significance (1 of 4 stars; one submission).

Allele frequency attached by ClinVar (database versions not stated): gnomAD exomes below 0.00001; TOPMed below 0.00001; gnomAD 0.00001.
gnomAD v4.1: 3 of 1,614,046 alleles (0.00019%); highest among the groups gnomAD compares: Non-Finnish European, 0.00025%; no homozygotes.

Submission:

GeneDx
Classification: Uncertain significance. Last evaluated: 2020-10-16. Review status: criteria provided, single submitter. Criteria: GeneDx Variant Classification Process June 2021. Collection method: clinical testing. Allele origin: germline. Affected: yes.
Comment: Not observed in large population cohorts (Lek et al., 2016); In silico analysis supports that this missense variant does not alter protein structure/function; Has not been previously published as pathogenic or benign to our knowledge

NM_000552.5(VWF):c.5186A>G (p.Gln1729Arg)

Gene: VWF (von Willebrand factor; minus strand). Cytogenetic location: 12p13.31.
Variant type: single nucleotide variant.
Coding change: c.5186A>G on transcript NM_000552.5 (MANE Select); coding-DNA position 5186, A replaced by G.
Protein change: p.Gln1729Arg; replaces glutamine 1729 with arginine.
Molecular consequence: missense variant.
Genome position (GRCh38, 1-based): chr12:6,016,641, T>C on the plus strand (A>G on the coding strand, the complement: VWF is on the minus strand). VCF-style: chr12-6016641-T-C. GRCh37 (hg19) VCF-style: chr12-6125807-T-C.
Other names: short protein forms Q1729R.
Identifiers: ClinVar variation 1313243 (VCV001313243.2), dbSNP rs1282710917, ClinGen allele CA383496290.